The following is an entry in ClinVar:

ClinVar aggregate classification (germline): Pathogenic (3 of 4 stars; one submission).

Conditions:
Breast-ovarian cancer, familial, susceptibility to, 1 (BROVCA1). Also called: BRCA1 Hereditary Breast and Ovarian Cancer; OVARIAN CANCER, SUSCEPTIBILITY TO. Identifiers: Orphanet 145, MedGen C2676676, MONDO:0011450, OMIM 604370. Disease mechanism: loss of function.

Submission:

Evidence-based Network for the Interpretation of Germline Mutant Alleles (ENIGMA)
Classification: Pathogenic for Breast-ovarian cancer, familial, susceptibility to, 1. Last evaluated: 2017-12-15. Review status: reviewed by expert panel. Criteria: ENIGMA BRCA1/2 Classification Criteria (2017-06-29). Collection method: curation. Allele origin: germline. Study: ENIGMA.
Comment: Variant allele predicted to encode a truncated non-functional protein.

NM_007294.4(BRCA1):c.2755_2756insGGGTG (p.Pro919fs)

Gene: BRCA1 (BRCA1 DNA repair associated; minus strand). Cytogenetic location: 17q21.31.
Variant type: Insertion.
Coding change: c.2755_2756insGGGTG on transcript NM_007294.4 (MANE Select); coding-DNA positions 2755 to 2756, GGGTG inserted.
Protein change: p.Pro919fs; shifts the reading frame from proline 919.
Molecular consequence: frameshift variant. On other transcripts: intron variant (137).
Genome position: GRCh38 VCF-style: chr17-43092775-G-GCACCC. GRCh37 (hg19) VCF-style: chr17-41244792-G-GCACCC.
Other names: c.791-1753_791-1752insGGGTG (NM_001408406.1); c.647-1744_647-1743insGGGTG (NM_001408456.1, NM_001408410.1, NM_001408458.1 and 11 more transcripts); c.644-1744_644-1743insGGGTG (NM_001408465.1, NM_001408463.1, NM_001408462.1 and 3 more transcripts); c.578-1744_578-1743insGGGTG (NM_001408482.1, NM_001408484.1, NM_001408478.1 and 9 more transcripts); c.521-1744_521-1743insGGGTG (NM_001408504.1, NM_001408503.1, NM_001408505.1); c.524-1744_524-1743insGGGTG (NM_001408499.1, NM_001408498.1, NM_001408501.1 and 3 more transcripts); c.671-1744_671-1743insGGGTG (NM_001408422.1, NM_001408418.1, NM_001408423.1 and 2 more transcripts); c.707-1744_707-1743insGGGTG (NM_001408416.1, NM_001408413.1); and 41 more; short protein forms P919fs, P872fs, P830fs, P848fs, P849fs, P851fs, P918fs, P623fs.
Identifiers: ClinVar variation 548274 (VCV000548274.2), dbSNP rs1555589008, ClinGen allele CA658823991.